The following is an entry in ClinVar:

NM_020987.5(ANK3):c.6017C>T (p.Ala2006Val)

Gene: ANK3 (ankyrin 3; minus strand). Cytogenetic location: 10q21.2.
Variant type: single nucleotide variant.
Coding change: c.6017C>T on transcript NM_020987.5 (MANE Select); coding-DNA position 6017, C replaced by T.
Protein change: p.Ala2006Val; replaces alanine 2006 with valine.
Molecular consequence: missense variant. On other transcripts: intron variant (4).
Genome position (GRCh38, 1-based): chr10:60,074,864, G>A on the plus strand (C>T on the coding strand, the complement: ANK3 is on the minus strand). VCF-style: chr10-60074864-G-A. GRCh37 (hg19) VCF-style: chr10-61834622-G-A.
Other names: c.6017C>T (NM_020987.3); c.4387+5673C>T (NM_001204403.2); c.4408+5673C>T (NM_001204404.2); c.4405+5673C>T (NM_001320874.2); c.1807+5673C>T (NM_001149.4); short protein forms A2006V.
Identifiers: ClinVar variation 2065101 (VCV002065101.6), dbSNP rs202232309, ClinGen allele CA5511930.
Genomic context (GRCh38, chr10:60,074,864, plus strand): 5'-TTTTCGGAGGCGGCTTTTGCTTTTACTTGCACTCTCTCTGGCAGAGATGGAGACTGGCTC[G>A]CAGCAGCTTGTTGTCTGGCTTCCCGGATTTCTTCCGAACTAAATTCTATCCAGTCATCTT-3'
Protein context (NP_066267.2, residues 1996-2016): EIREARQQAA[Ala2006Val]SQSPSLPERV

ClinVar aggregate classification (germline): Conflicting classifications of pathogenicity. Review status: criteria provided, conflicting classifications (1 of 4 stars). 3 submissions from 3 submitters: Uncertain significance (2); Likely benign (1). Last evaluated 2025-12-29.

Conditions:
Inborn genetic diseases. Identifiers: MedGen C0950123, MeSH D030342.

Allele frequency attached by ClinVar (database versions not stated): ESP Exome Variant Server 0.00008; gnomAD exomes 0.00008; gnomAD 0.00010; ExAC 0.00011; TOPMed 0.00012; 1000 Genomes Project 30x 0.00016; 1000 Genomes Project 0.00020.
gnomAD v4.1: 138 of 1,613,588 alleles (0.0086%); highest among the groups gnomAD compares: Admixed American, 0.018%; no homozygotes.

Submissions (3):

Ambry Genetics
Classification: Likely benign for Inborn genetic diseases. Last evaluated: 2025-12-29. Review status: criteria provided, single submitter. Criteria: Ambry Variant Classification Scheme 2023. Collection method: clinical testing. Allele origin: germline.

Labcorp Genetics (formerly Invitae), Labcorp
Classification: Uncertain significance. Last evaluated: 2024-10-29. Review status: criteria provided, single submitter. Criteria: Invitae Variant Classification Sherloc (09022015). Collection method: clinical testing. Allele origin: germline.
Comment: This sequence change replaces alanine, which is neutral and non-polar, with valine, which is neutral and non-polar, at codon 2006 of the ANK3 protein (p.Ala2006Val). This variant is present in population databases (rs202232309, gnomAD 0.02%). This variant has not been reported in the literature in individuals affected with ANK3-related conditions. ClinVar contains an entry for this variant (Variation ID: 2065101). Invitae Evidence Modeling of protein sequence and biophysical properties (such as structural, functional, and spatial information, amino acid conservation, physicochemical variation, residue mobility, and thermodynamic stability) indicates that this missense variant is not expected to disrupt ANK3 protein function with a negative predictive value of 80%. In summary, the available evidence is currently insufficient to determine the role of this variant in disease. Therefore, it has been classified as a Variant of Uncertain Significance.

GeneDx
Classification: Uncertain significance. Last evaluated: 2022-10-05. Review status: criteria provided, single submitter. Criteria: GeneDx Variant Classification Process June 2021. Collection method: clinical testing. Allele origin: germline. Affected: yes.
Comment: In silico analysis supports that this missense variant does not alter protein structure/function; Has not been previously published as pathogenic or benign to our knowledge; Variants in candidate genes are classified as variants of uncertain significance in accordance with ACMG guidelines (Richards et al., 2015)